The following is an entry in ClinVar:

NM_000264.5(PTCH1):c.318C>T (p.Leu106=)

Gene: PTCH1 (patched 1; minus strand). Cytogenetic location: 9q22.32.
Variant type: single nucleotide variant.
Coding change: c.318C>T on transcript NM_000264.5 (MANE Select); coding-DNA position 318, C replaced by T.
Protein change: p.Leu106=; no amino-acid change (leucine 106 retained).
Molecular consequence: synonymous variant. On other transcripts: 5 prime UTR variant (4), non-coding transcript variant (1).
Genome position (GRCh38, 1-based): chr9:95,506,483, G>A on the plus strand (C>T on the coding strand, the complement: PTCH1 is on the minus strand). VCF-style: chr9-95506483-G-A. GRCh37 (hg19) VCF-style: chr9-98268765-G-A.
Other names: p.Leu106=; c.120C>T, p.Leu40= (NM_001083602.3, NM_001354919.2); c.315C>T, p.Leu105= (NM_001083603.3); c.-136C>T (NM_001083604.3, NM_001083605.3, NM_001083606.3 and 1 more transcripts); c.318C>T, p.Leu106= (NM_001354918.2).
Identifiers: ClinVar variation 132719 (VCV000132719.38), dbSNP rs1805153, ClinGen allele CA292958.

ClinVar aggregate classification (germline): Benign/Likely benign. Review status: criteria provided, multiple submitters, no conflicts (2 of 4 stars). 15 submissions from 14 submitters: Benign (12); Likely benign (3). Last evaluated 2026-02-04.

Conditions:
Holoprosencephaly 7 (HPE7). Identifiers: Orphanet 2162, MedGen C1835820, MONDO:0012562, OMIM 610828.
Basal cell carcinoma, susceptibility to, 1. Also called: BCC1. Identifiers: MedGen C2751544, MONDO:0011556, OMIM 605462.
Basal cell nevus syndrome 1 (BCNS1). Also called: GORLIN-GOLTZ SYNDROME; MULTIPLE BASAL CELL NEVI, ODONTOGENIC KERATOCYSTS, AND SKELETAL ANOMALIES. Identifiers: MedGen CN376810, MONDO:0958174, OMIM 109400.
Hereditary cancer-predisposing syndrome. Also called: Tumor predisposition; Hereditary neoplastic syndrome; Neoplastic Syndromes, Hereditary; Hereditary Cancer Syndrome. Identifiers: Orphanet 140162, MedGen C0027672, MeSH D009386, MONDO:0015356.
Gorlin syndrome. Also called: Nevoid Basal Cell Carcinoma Syndrome; Basal cell nevus syndrome. Identifiers: Orphanet 377, MedGen C0004779, MONDO:0007187.

Allele frequency attached by ClinVar (database versions not stated): 1000 Genomes Project 0.00559; 1000 Genomes Project 30x 0.00640; gnomAD exomes 0.01439 and 0.02147; ExAC 0.01440; gnomAD 0.01526 and 0.01567; TOPMed 0.01575; ESP Exome Variant Server 0.01945.
gnomAD v4.1: 33,507 of 1,613,524 alleles (2.1%); highest among the groups gnomAD compares: Non-Finnish European, 2.5%; 464 homozygotes.

Submissions (15):

Labcorp Genetics (formerly Invitae), Labcorp
Classification: Benign for Gorlin syndrome. Last evaluated: 2026-02-04. Review status: criteria provided, single submitter. Criteria: Invitae Variant Classification Sherloc (09022015). Collection method: clinical testing. Allele origin: germline.

ARUP Laboratories, Molecular Genetics and Genomics, ARUP Laboratories
Classification: Benign. Last evaluated: 2025-07-15. Review status: criteria provided, single submitter. Criteria: ARUP Molecular Germline Variant Investigation Process 2024. Collection method: clinical testing. Allele origin: germline.

Quest Diagnostics Nichols Institute San Juan Capistrano
Classification: Benign. Last evaluated: 2025-03-21. Review status: criteria provided, single submitter. Criteria: Quest Diagnostics criteria. Collection method: clinical testing. Allele origin: unknown.

Center for Genomic Medicine, Rigshospitalet, Copenhagen University Hospital
Classification: Benign. Last evaluated: 2025-03-04. Review status: criteria provided, single submitter. Criteria: ACMG Guidelines, 2015. Collection method: clinical testing. Allele origin: germline.

Mayo Clinic Laboratories, Mayo Clinic
Classification: Likely benign. Last evaluated: 2024-12-16. Review status: criteria provided, single submitter. Criteria: ACMG Guidelines, 2015. Collection method: clinical testing. Allele origin: germline. Observed: 9 variant alleles.
Comment: BS1, BP4, BP7

Blueprint Genetics
Classification: Likely benign. Last evaluated: 2024-11-25. Review status: criteria provided, single submitter. Criteria: ACMG Guidelines, 2015. Collection method: clinical testing. Allele origin: germline.

KCCC/NGS Laboratory, Kuwait Cancer Control Center
Classification: Benign for Basal cell nevus syndrome 1. Last evaluated: 2023-07-07. Review status: criteria provided, single submitter. Criteria: ACMG Guidelines, 2015. Collection method: clinical testing. Allele origin: germline. Affected: yes.

Fulgent Genetics
Classification: Likely benign for Basal cell nevus syndrome 1; Basal cell carcinoma, susceptibility to, 1; Holoprosencephaly 7. Last evaluated: 2022-03-29. Review status: criteria provided, single submitter. Criteria: ACMG Guidelines, 2015. Collection method: clinical testing. Allele origin: unknown.

Department of Pathology and Laboratory Medicine, Sinai Health System
Classification: Benign for Basal cell nevus syndrome 1; Basal cell carcinoma, susceptibility to, 1; Holoprosencephaly 7. Last evaluated: 2021-11-30. Review status: criteria provided, single submitter. Criteria: ACMG Guidelines, 2015. Collection method: clinical testing. Allele origin: germline. Affected: yes.

Illumina Laboratory Services, Illumina
Classification: Benign for Basal cell nevus syndrome 1. Last evaluated: 2018-01-13. Review status: criteria provided, single submitter. Criteria: ICSL Variant Classification Criteria 13 December 2019. Collection method: clinical testing. Allele origin: germline.
Comment: This variant was observed in the ICSL laboratory as part of a predisposition screen in an ostensibly healthy population. It had not been previously curated by ICSL or reported in the Human Gene Mutation Database (HGMD: prior to June 1st, 2018), and was therefore a candidate for classification through an automated scoring system. Utilizing variant allele frequency, disease prevalence and penetrance estimates, and inheritance mode, an automated score was calculated to assess if this variant is too frequent to cause the disease. Based on the score and internal cut-off values, a variant classified as benign is not then subjected to further curation. The score for this variant resulted in a classification of benign for this disease.

Illumina Laboratory Services, Illumina
Classification: Benign for Holoprosencephaly 7. Last evaluated: 2018-01-13. Review status: criteria provided, single submitter. Criteria: ICSL Variant Classification Criteria 13 December 2019. Collection method: clinical testing. Allele origin: germline.
Comment: the same text as in the submission from Illumina Laboratory Services, Illumina above.

Ambry Genetics
Classification: Benign for Hereditary cancer-predisposing syndrome. Last evaluated: 2016-09-09. Review status: criteria provided, single submitter. Criteria: Ambry Variant Classification Scheme 2023. Collection method: clinical testing. Allele origin: germline.

Women's Health and Genetics/Laboratory Corporation of America, LabCorp
Classification: Benign. Last evaluated: 2016-05-24. Review status: criteria provided, single submitter. Criteria: LabCorp Variant Classification Summary - May 2015. Collection method: clinical testing. Allele origin: germline.
Comment: Variant summary: The PTCH1 c.318C>T (p.Leu106Leu) variant causes a synonymous change involving a non-conserved nucleotide with 5/5 splice prediction tools predicting no significant impact on splicing and ESE finder predicting the elimination of an ESE binding site. However, these predictions have yet to be functionally assessed. The variant was observed in the large, broad control population, ExAC, with an allele frequency of 1737/120658 (10 homozygotes, 1/69, frequency: 0.0143961), which significantly exceeds the estimated maximal expected allele frequency for a pathogenic PTCH1 variant of 1/58479 (0.0000171), suggesting this variant is likely a benign polymorphism. The variant has been reported in affected individuals via publications and/or reputable clinical laboratories with a classification of "polymorphism/benign." Therefore, taking all available lines of evidence into consideration, the variant of interest is classified as Benign.

Breakthrough Genomics
Classification: Benign. Review status: criteria provided, single submitter. Criteria: ACMG Guidelines, 2015. Collection method: not provided. Allele origin: germline. Inheritance: Autosomal dominant inheritance. Affected: yes.

PreventionGenetics, part of Exact Sciences
Classification: Benign. Review status: criteria provided, single submitter. Criteria: ACMG Guidelines, 2015. Collection method: clinical testing. Allele origin: germline.

Literature cited by the submitters: PubMed 15712338 (cited by Quest Diagnostics Nichols Institute San Juan Capistrano and Women's Health and Genetics/Laboratory Corporation of America, LabCorp).